The following is an entry in ClinVar:

NM_004104.5(FASN):c.1301T>C (p.Val434Ala)

Gene: FASN (fatty acid synthase; minus strand). Cytogenetic location: 17q25.3.
Variant type: single nucleotide variant.
Coding change: c.1301T>C on transcript NM_004104.5 (MANE Select); coding-DNA position 1301, T replaced by C.
Protein change: p.Val434Ala; replaces valine 434 with alanine.
Molecular consequence: missense variant.
Genome position (GRCh38, 1-based): chr17:82,091,413, A>G on the plus strand (T>C on the coding strand, the complement: FASN is on the minus strand). VCF-style: chr17-82091413-A-G. GRCh37 (hg19) VCF-style: chr17-80049289-A-G.
Other names: short protein forms V434A.
Identifiers: ClinVar variation 2823284 (VCV002823284.3), dbSNP rs2509843360, ClinGen allele CA401560730.

ClinVar aggregate classification (germline): Uncertain significance (1 of 4 stars; one submission).

Conditions:
Epileptic encephalopathy. Identifiers: MedGen C0543888, HP:0200134.

Submission:

Labcorp Genetics (formerly Invitae), Labcorp
Classification: Uncertain significance for Epileptic encephalopathy. Last evaluated: 2022-12-22. Review status: criteria provided, single submitter. Criteria: Invitae Variant Classification Sherloc (09022015). Collection method: clinical testing. Allele origin: germline.
Comment: This sequence change replaces valine, which is neutral and non-polar, with alanine, which is neutral and non-polar, at codon 434 of the FASN protein (p.Val434Ala). In summary, the available evidence is currently insufficient to determine the role of this variant in disease. Therefore, it has been classified as a Variant of Uncertain Significance. Algorithms developed to predict the effect of missense changes on protein structure and function are either unavailable or do not agree on the potential impact of this missense change (SIFT: "Deleterious"; PolyPhen-2: "Benign"; Align-GVGD: "Class C0"). This variant has not been reported in the literature in individuals affected with FASN-related conditions. This variant is not present in population databases (gnomAD no frequency).